The following is an entry in ClinVar:

NM_000059.4(BRCA2):c.7806-14T>C

Gene: BRCA2 (BRCA2 DNA repair associated; plus strand). Cytogenetic location: 13q13.1.
Variant type: single nucleotide variant.
Coding change: c.7806-14T>C on transcript NM_000059.4 (MANE Select); 14 bases into the intron before coding-DNA position 7806, T replaced by C.
Molecular consequence: intron variant.
Genome position (GRCh38, 1-based): chr13:32,362,509, T>C. VCF-style: chr13-32362509-T-C. GRCh37 (hg19) VCF-style: chr13-32936646-T-C.
Other names: IVS16-14T/C; IVS16-14T>C; IVS 16-14T>C; p.?.
Identifiers: ClinVar variation 126158 (VCV000126158.70), dbSNP rs9534262, ClinGen allele CA025287.

ClinVar aggregate classification (germline): Benign. Review status: reviewed by expert panel (3 of 4 stars). 33 submissions from 31 submitters: Benign (1). 32 of the submissions do not count toward it. Last evaluated 2015-01-12.
ClinVar aggregate classification (somatic clinical impact): Tier IV - Benign/Likely benign (0 of 4 stars; one submission).

Conditions:
Breast and/or ovarian cancer. Identifiers: MedGen CN221562.
Hereditary cancer-predisposing syndrome. Also called: Tumor predisposition; Hereditary neoplastic syndrome; Neoplastic Syndromes, Hereditary; Hereditary Cancer Syndrome. Identifiers: Orphanet 140162, MedGen C0027672, MeSH D009386, MONDO:0015356.
Hereditary breast ovarian cancer syndrome. Also called: Hereditary breast and ovarian cancer syndrome; Hereditary breast and ovarian cancer syndrome (HBOC); Breast and ovarian cancer; BRCA1- and BRCA2-Associated Hereditary Breast and Ovarian Cancer; Hereditary breast and ovarian cancer; Hereditary breast and/or ovarian cancer syndrome. Identifiers: Orphanet 145, MedGen C0677776, MeSH D061325, MONDO:0003582. Disease mechanism: loss of function.
Fanconi anemia complementation group D1. Also called: BRCA2-Related Fanconi Anemia. Identifiers: Orphanet 319462, MedGen C1838457, MONDO:0011584, OMIM 605724.
Breast-ovarian cancer, familial, susceptibility to, 2 (BROVCA2). Also called: BRCA2 Hereditary Breast and Ovarian Cancer. Identifiers: Orphanet 145, MedGen C2675520, MONDO:0012933, OMIM 612555. Disease mechanism: loss of function.
Familial cancer of breast. Also called: hereditary breast carcinoma; Hereditary breast cancer; BREAST CANCER, FAMILIAL. Identifiers: Orphanet 227535, MedGen C0346153, MONDO:0016419, OMIM 114480. Disease mechanism: loss of function.

Allele frequency attached by ClinVar (database versions not stated): TOPMed 0.53288; gnomAD 0.53809 and 0.53977; ESP Exome Variant Server 0.52015; ExAC 0.52083; gnomAD exomes 0.52287; 1000 Genomes Project 30x 0.52904; 1000 Genomes Project 0.53155.
gnomAD v4.1: 845,330 of 1,608,568 alleles (53%); highest among the groups gnomAD compares: East Asian, 60%; 223,310 homozygotes.

Submissions 1 to 22 of 34:

Evidence-based Network for the Interpretation of Germline Mutant Alleles (ENIGMA)
Classification: Benign for Breast-ovarian cancer, familial 2. Last evaluated: 2015-01-12. Review status: reviewed by expert panel. Criteria: ENIGMA BRCA1/2 Classification Criteria (2015). Collection method: curation. Allele origin: germline.
Comment: Class 1 not pathogenic based on frequency >1% in an outbred sampleset. Frequency 0.5507 (Asian), 0.5589 (African), 0.5409 (European), derived from 1000 genomes (2012-04-30).

Labcorp Genetics (formerly Invitae), Labcorp
Classification: Benign for Hereditary breast ovarian cancer syndrome. Last evaluated: 2026-02-04. Review status: criteria provided, single submitter. Criteria: Invitae Variant Classification Sherloc (09022015). Collection method: clinical testing. Allele origin: germline. Not counted in ClinVar's aggregate classification.

ARUP Laboratories, Molecular Genetics and Genomics, ARUP Laboratories
Classification: Benign. Last evaluated: 2025-07-31. Review status: criteria provided, single submitter. Criteria: ARUP Molecular Germline Variant Investigation Process 2024. Collection method: clinical testing. Allele origin: germline. Not counted in ClinVar's aggregate classification.

KCCC/NGS Laboratory, Kuwait Cancer Control Center
Classification: Benign for Familial cancer of breast. Last evaluated: 2025-02-01. Review status: criteria provided, single submitter. Criteria: ACMG Guidelines, 2015. Collection method: clinical testing. Allele origin: germline. Affected: no. Not counted in ClinVar's aggregate classification.

Blueprint Genetics
Classification: Benign. Last evaluated: 2024-11-27. Review status: criteria provided, single submitter. Criteria: ACMG Guidelines, 2015. Collection method: clinical testing. Allele origin: germline. Not counted in ClinVar's aggregate classification.

KCCC/NGS Laboratory, Kuwait Cancer Control Center
Classification: Benign for Breast-ovarian cancer, familial, susceptibility to, 2. Last evaluated: 2023-07-07. Review status: criteria provided, single submitter. Criteria: ACMG Guidelines, 2015. Collection method: clinical testing. Allele origin: germline. Affected: yes. Not counted in ClinVar's aggregate classification.

National Health Laboratory Service, Universitas Academic Hospital and University of the Free State
Classification: Benign for Hereditary breast ovarian cancer syndrome. Last evaluated: 2022-04-19. Review status: criteria provided, single submitter. Criteria: ACMG Guidelines, 2015. Collection method: clinical testing. Allele origin: germline. Affected: yes. Observed: 1,045 variant alleles. Not counted in ClinVar's aggregate classification.

Mayo Clinic Laboratories, Mayo Clinic
Classification: Benign. Last evaluated: 2021-12-17. Review status: criteria provided, single submitter. Criteria: ACMG Guidelines, 2015. Collection method: clinical testing. Allele origin: germline. Observed: 2,593 variant alleles. Not counted in ClinVar's aggregate classification.
Comment: BA1

CHEO Genetics Diagnostic Laboratory, Children's Hospital of Eastern Ontario
Classification: Benign for Breast and/or ovarian cancer. Last evaluated: 2021-04-22. Review status: criteria provided, single submitter. Criteria: ACMG Guidelines, 2015. Collection method: clinical testing. Allele origin: germline. Not counted in ClinVar's aggregate classification.

Sema4
Classification: Benign for Hereditary cancer-predisposing syndrome. Last evaluated: 2019-12-11. Review status: criteria provided, single submitter. Criteria: Sema4 Curation Guidelines. Collection method: curation. Allele origin: germline. Not counted in ClinVar's aggregate classification.

Illumina Laboratory Services, Illumina
Classification: Benign for Breast-ovarian cancer, familial, susceptibility to, 2. Last evaluated: 2018-01-13. Review status: criteria provided, single submitter. Criteria: ICSL Variant Classification Criteria 13 December 2019. Collection method: clinical testing. Allele origin: germline. Not counted in ClinVar's aggregate classification.
Comment: This variant was observed in the ICSL laboratory as part of a predisposition screen in an ostensibly healthy population. It had not been previously curated by ICSL or reported in the Human Gene Mutation Database (HGMD: prior to June 1st, 2018), and was therefore a candidate for classification through an automated scoring system. Utilizing variant allele frequency, disease prevalence and penetrance estimates, and inheritance mode, an automated score was calculated to assess if this variant is too frequent to cause the disease. Based on the score and internal cut-off values, a variant classified as benign is not then subjected to further curation. The score for this variant resulted in a classification of benign for this disease.

Illumina Laboratory Services, Illumina
Classification: Benign for Fanconi anemia complementation group D1. Last evaluated: 2018-01-13. Review status: criteria provided, single submitter. Criteria: ICSL Variant Classification Criteria 13 December 2019. Collection method: clinical testing. Allele origin: germline. Not counted in ClinVar's aggregate classification.
Comment: the same text as in the submission from Illumina Laboratory Services, Illumina above.

GeneKor MSA
Classification: Benign. Last evaluated: 2017-11-01. Review status: criteria provided, single submitter. Criteria: ACMG Guidelines, 2015. Collection method: clinical testing. Allele origin: germline. Affected: yes. Not counted in ClinVar's aggregate classification.

Department of Pathology and Molecular Medicine, Queen's University
Classification: Benign. Last evaluated: 2017-04-20. Review status: criteria provided, single submitter. Criteria: ACMG Guidelines, 2015. Collection method: clinical testing. Allele origin: germline. Study: The Canadian Open Genetics Repository (COGR). Not counted in ClinVar's aggregate classification.

Cancer Genetics and Genomics Laboratory, British Columbia Cancer Agency
Classification: Benign. Last evaluated: 2017-04-18. Review status: criteria provided, single submitter. Criteria: ACMG Guidelines, 2015. Collection method: clinical testing. Allele origin: germline. Study: The Canadian Open Genetics Repository (COGR). Not counted in ClinVar's aggregate classification.

Baylor Genetics
Classification: Benign for Familial cancer of breast. Last evaluated: 2017-02-23. Review status: criteria provided, single submitter. Criteria: ACMG Guidelines, 2015. Collection method: clinical testing. Allele origin: germline. Inheritance: Autosomal dominant inheritance. Affected: no. Not counted in ClinVar's aggregate classification.

Laboratory for Molecular Medicine, Mass General Brigham Personalized Medicine
Classification: Benign. Last evaluated: 2016-03-28. Review status: criteria provided, single submitter. Criteria: LMM Criteria. Collection method: clinical testing. Allele origin: germline. Observed: 1 variant allele. Not counted in ClinVar's aggregate classification.
Comment: Disclaimer: This variant has not undergone full assessment. The following are pr eliminary notes: Frequency

Eurofins Ntd Llc (ga)
Classification: Benign. Last evaluated: 2015-12-16. Review status: criteria provided, single submitter. Criteria: EGL Classification Definitions 2015. Collection method: clinical testing. Allele origin: germline. Observed: 323 variant alleles, 196 heterozygotes, 127 homozygotes. Not counted in ClinVar's aggregate classification.

Clinical Genetics DNA and cytogenetics Diagnostics Lab, Erasmus MC, Erasmus Medical Center
Classification: Benign for Breast-ovarian cancer, familial, susceptibility to, 2. Last evaluated: 2015-09-21. Review status: criteria provided, single submitter. Criteria: ACGS Guidelines, 2013. Collection method: clinical testing. Allele origin: germline. Affected: yes. Study: VKGL Data-share Consensus. Not counted in ClinVar's aggregate classification.

Color Diagnostics, LLC DBA Color Health
Classification: Benign for Hereditary cancer-predisposing syndrome. Last evaluated: 2014-12-05. Review status: criteria provided, single submitter. Criteria: ACMG Guidelines, 2015. Collection method: clinical testing. Allele origin: germline. Not counted in ClinVar's aggregate classification.

Ambry Genetics
Classification: Benign for Hereditary cancer-predisposing syndrome. Last evaluated: 2014-11-19. Review status: criteria provided, single submitter. Criteria: Ambry Variant Classification Scheme 2023. Collection method: clinical testing. Allele origin: germline. Not counted in ClinVar's aggregate classification.

Molecular Genetics Laboratory, University of Michigan
Classification: Benign for Breast-ovarian cancer, familial, susceptibility to, 2. Last evaluated: 2014-11-03. Review status: criteria provided, single submitter. Criteria: ACMG Guidelines, 2015. Collection method: clinical testing. Allele origin: germline. Affected: yes. Not counted in ClinVar's aggregate classification.